The following is an entry in ClinVar:

ClinVar aggregate classification (germline): Conflicting classifications of pathogenicity. Review status: criteria provided, conflicting classifications (1 of 4 stars). 4 submissions from 4 submitters: Uncertain significance (3); Likely benign (1). Last evaluated 2026-01-31.

Conditions:
Deficiency of malonyl-CoA decarboxylase. Also called: Malonic aciduria; MCD deficiency. Identifiers: Orphanet 943, MedGen C0342793, MONDO:0009556, OMIM 248360.
Inborn genetic diseases. Identifiers: MedGen C0950123, MeSH D030342.

Allele frequency attached by ClinVar (database versions not stated): 1000 Genomes Project 30x 0.00016; TOPMed 0.00061.
gnomAD v4.1: 1,263 of 1,613,684 alleles (0.078%); highest among the groups gnomAD compares: Non-Finnish European, 0.097%; no homozygotes.

Submissions (4):

Labcorp Genetics (formerly Invitae), Labcorp
Classification: Likely benign for Deficiency of malonyl-CoA decarboxylase. Last evaluated: 2026-01-31. Review status: criteria provided, single submitter. Criteria: Invitae Variant Classification Sherloc (09022015). Collection method: clinical testing. Allele origin: germline.

Women's Health and Genetics/Laboratory Corporation of America, LabCorp
Classification: Uncertain significance. Last evaluated: 2023-03-21. Review status: criteria provided, single submitter. Criteria: LabCorp Variant Classification Summary - May 2015. Collection method: clinical testing. Allele origin: germline.
Comment: Variant summary: MLYCD c.1424A>G (p.Lys475Arg) results in a conservative amino acid change in the encoded protein sequence. Three of five in-silico tools predict a benign effect of the variant on protein function. The variant allele was found at a frequency of 0.00052 in 247748 control chromosomes. To our knowledge, no occurrence of c.1424A>G in individuals affected with Deficiency Of Malonyl-CoA Decarboxylase and no experimental evidence demonstrating its impact on protein function have been reported. Three clinical diagnostic laboratories have submitted clinical-significance assessments for this variant to ClinVar after 2014 and classified the variant as either VUS (n=2) or likely benign (n=1). Based on the evidence outlined above, the variant was classified as uncertain significance.

Ambry Genetics
Classification: Uncertain significance for Inborn genetic diseases. Last evaluated: 2022-09-29. Review status: criteria provided, single submitter. Criteria: Ambry Variant Classification Scheme 2023. Collection method: clinical testing. Allele origin: germline.

Illumina Laboratory Services, Illumina
Classification: Uncertain significance for Deficiency of malonyl-CoA decarboxylase. Last evaluated: 2018-01-13. Review status: criteria provided, single submitter. Criteria: ICSL Variant Classification Criteria 13 December 2019. Collection method: clinical testing. Allele origin: germline.

NM_012213.3(MLYCD):c.1424A>G (p.Lys475Arg)

Gene: MLYCD (malonyl-CoA decarboxylase; plus strand). Cytogenetic location: 16q23.3.
Variant type: single nucleotide variant.
Coding change: c.1424A>G on transcript NM_012213.3 (MANE Select); coding-DNA position 1424, A replaced by G.
Protein change: p.Lys475Arg; replaces lysine 475 with arginine.
Molecular consequence: missense variant.
Genome position (GRCh38, 1-based): chr16:83,915,431, A>G. VCF-style: chr16-83915431-A-G. GRCh37 (hg19) VCF-style: chr16-83949036-A-G.
Other names: short protein forms K475R.
Identifiers: ClinVar variation 320738 (VCV000320738.16), dbSNP rs200413924, ClinGen allele CA8197635.